The following is an entry in ClinVar:

NM_001211.6(BUB1B):c.736G>A (p.Gly246Arg)

Gene: BUB1B (BUB1 mitotic checkpoint serine/threonine kinase B; plus strand). Cytogenetic location: 15q15.1.
Variant type: single nucleotide variant.
Coding change: c.736G>A on transcript NM_001211.6 (MANE Select); coding-DNA position 736, G replaced by A.
Protein change: p.Gly246Arg; replaces glycine 246 with arginine.
Molecular consequence: missense variant.
Genome position (GRCh38, 1-based): chr15:40,183,868, G>A. VCF-style: chr15-40183868-G-A. GRCh37 (hg19) VCF-style: chr15-40476069-G-A.
Other names: short protein forms G246R.
Identifiers: ClinVar variation 1758556 (VCV001758556.3), dbSNP rs2037327115, ClinGen allele CA391683496.

ClinVar aggregate classification (germline): Uncertain significance. Review status: criteria provided, multiple submitters, no conflicts (2 of 4 stars). 2 submissions from 2 submitters: Uncertain significance (2). Last evaluated 2025-09-22.

Conditions:
Inborn genetic diseases. Identifiers: MedGen C0950123, MeSH D030342.
Mosaic variegated aneuploidy syndrome 1 (MVA1). Also called: Warburton-Anyane-Yeboa syndrome. Identifiers: Orphanet 1052, MedGen C1850343, MONDO:0009759, OMIM 257300.

Allele frequency attached by ClinVar (database versions not stated): gnomAD exomes below 0.00001; TOPMed 0.00001.

Submissions (2):

Labcorp Genetics (formerly Invitae), Labcorp
Classification: Uncertain significance for Mosaic variegated aneuploidy syndrome 1. Last evaluated: 2025-09-22. Review status: criteria provided, single submitter. Criteria: Invitae Variant Classification Sherloc (09022015). Collection method: clinical testing. Allele origin: germline.
Comment: This sequence change replaces glycine, which is neutral and non-polar, with arginine, which is basic and polar, at codon 246 of the BUB1B protein (p.Gly246Arg). This variant is not present in population databases (gnomAD no frequency). This variant has not been reported in the literature in individuals affected with BUB1B-related conditions. ClinVar contains an entry for this variant (Variation ID: 1758556). An algorithm developed to predict the effect of missense changes on protein structure and function (PolyPhen-2) suggests that this variant is likely to be disruptive. In summary, the available evidence is currently insufficient to determine the role of this variant in disease. Therefore, it has been classified as a Variant of Uncertain Significance.

Ambry Genetics
Classification: Uncertain significance for Inborn genetic diseases. Last evaluated: 2022-09-26. Review status: criteria provided, single submitter. Criteria: Ambry Variant Classification Scheme 2023. Collection method: clinical testing. Allele origin: germline.
Comment: The p.G246R variant (also known as c.736G>A), located in coding exon 6 of the BUB1B gene, results from a G to A substitution at nucleotide position 736. The glycine at codon 246 is replaced by arginine, an amino acid with dissimilar properties. This amino acid position is conserved. In addition, the in silico prediction for this alteration is inconclusive. Since supporting evidence is limited at this time, the clinical significance of this alteration remains unclear.